The following is an entry in ClinVar:

ClinVar aggregate classification (germline): Benign/Likely benign. Review status: criteria provided, multiple submitters, no conflicts (2 of 4 stars). 2 submissions from 2 submitters: Benign (1); Likely benign (1). Last evaluated 2025-12-23.

Allele frequency attached by ClinVar (database versions not stated): 1000 Genomes Project 30x 0.00031; 1000 Genomes Project 0.00040; gnomAD 0.00015.
gnomAD v4.1: 151 of 1,599,024 alleles (0.0094%); highest among the groups gnomAD compares: East Asian, 0.18%; no homozygotes.

Submissions (2):

Labcorp Genetics (formerly Invitae), Labcorp
Classification: Benign. Last evaluated: 2025-12-23. Review status: criteria provided, single submitter. Criteria: Invitae Variant Classification Sherloc (09022015). Collection method: clinical testing. Allele origin: germline.

Women's Health and Genetics/Laboratory Corporation of America, LabCorp
Classification: Likely benign. Last evaluated: 2025-09-15. Review status: criteria provided, single submitter. Criteria: LabCorp Variant Classification Summary - May 2015. Collection method: clinical testing. Allele origin: germline.
Comment: Variant summary: ITGB3 c.1690+19C>A alters a nucleotide located at a position not widely known to affect splicing. Consensus agreement among computation tools predict no significant impact on normal splicing. However, these predictions have yet to be confirmed by functional studies. The variant allele was found at a frequency of 0.00018 in 237636 control chromosomes. This frequency is not significantly higher than estimated for disease-causing variants in ITGB3, allowing no conclusion about variant significance. To our knowledge, no occurrence of c.1690+19C>A in individuals affected with ITGB3-related conditions and no experimental evidence demonstrating its impact on protein function have been reported. ClinVar contains an entry for this variant (Variation ID: 2789428). Based on the evidence outlined above, the variant was classified as likely benign.

NM_000212.3(ITGB3):c.1690+19C>A

Gene: ITGB3 (integrin subunit beta 3; plus strand). Cytogenetic location: 17q21.32.
Variant type: single nucleotide variant.
Coding change: c.1690+19C>A on transcript NM_000212.3 (MANE Select); 19 bases into the intron after coding-DNA position 1690, C replaced by A.
Molecular consequence: intron variant.
Genome position (GRCh38, 1-based): chr17:47,292,587, C>A. VCF-style: chr17-47292587-C-A. GRCh37 (hg19) VCF-style: chr17-45369953-C-A.
Identifiers: ClinVar variation 2789428 (VCV002789428.4), dbSNP rs562984912, ClinGen allele CA8623315.